The following is an entry in ClinVar:

NM_005076.5(CNTN2):c.1942C>G (p.Pro648Ala)

Gene: CNTN2 (contactin 2; plus strand). Cytogenetic location: 1q32.1.
Variant type: single nucleotide variant.
Coding change: c.1942C>G on transcript NM_005076.5 (MANE Select); coding-DNA position 1942, C replaced by G.
Protein change: p.Pro648Ala; replaces proline 648 with alanine.
Molecular consequence: missense variant. On other transcripts: non-coding transcript variant (1).
Genome position (GRCh38, 1-based): chr1:205,066,566, C>G. VCF-style: chr1-205066566-C-G. GRCh37 (hg19) VCF-style: chr1-205035694-C-G.
Other names: c.1942C>G, p.Pro648Ala (NM_001346083.2); short protein forms P648A.
Identifiers: ClinVar variation 1958295 (VCV001958295.5), dbSNP rs2526397302, ClinGen allele CA344376468.

ClinVar aggregate classification (germline): Uncertain significance (1 of 4 stars; one submission).

Conditions:
Epilepsy, familial adult myoclonic, 5 (EPEO5). Also called: CORTICAL MYOCLONIC TREMOR WITH EPILEPSY, FAMILIAL, 5. Identifiers: Orphanet 86814, MedGen C3809374, MONDO:0014167, OMIM 615400.

Submission:

Labcorp Genetics (formerly Invitae), Labcorp
Classification: Uncertain significance for Epilepsy, familial adult myoclonic, 5. Last evaluated: 2022-02-02. Review status: criteria provided, single submitter. Criteria: Invitae Variant Classification Sherloc (09022015). Collection method: clinical testing. Allele origin: germline.
Comment: In summary, the available evidence is currently insufficient to determine the role of this variant in disease. Therefore, it has been classified as a Variant of Uncertain Significance. Advanced modeling of protein sequence and biophysical properties (such as structural, functional, and spatial information, amino acid conservation, physicochemical variation, residue mobility, and thermodynamic stability) performed at Invitae indicates that this missense variant is not expected to disrupt CNTN2 protein function. This variant has not been reported in the literature in individuals affected with CNTN2-related conditions. This variant is not present in population databases (gnomAD no frequency). This sequence change replaces proline, which is neutral and non-polar, with alanine, which is neutral and non-polar, at codon 648 of the CNTN2 protein (p.Pro648Ala).